The following is an entry in ClinVar:

NM_032447.5(FBN3):c.6826C>T (p.Arg2276Trp)

Gene: FBN3 (fibrillin 3; minus strand). Cytogenetic location: 19p13.2.
Variant type: single nucleotide variant.
Coding change: c.6826C>T on transcript NM_032447.5 (MANE Select); coding-DNA position 6826, C replaced by T.
Protein change: p.Arg2276Trp; replaces arginine 2276 with tryptophan.
Molecular consequence: missense variant.
Genome position (GRCh38, 1-based): chr19:8,086,254, G>A on the plus strand (C>T on the coding strand, the complement: FBN3 is on the minus strand). VCF-style: chr19-8086254-G-A. GRCh37 (hg19) VCF-style: chr19-8151138-G-A.
Other names: c.6826C>T, p.Arg2276Trp (NM_001321431.2); short protein forms R2276W.
Identifiers: ClinVar variation 2143593 (VCV002143593.4), dbSNP rs377054534, ClinGen allele CA9151103.

ClinVar aggregate classification (germline): Uncertain significance (1 of 4 stars; one submission).

Allele frequency attached by ClinVar (database versions not stated): gnomAD exomes 0.00002; ExAC 0.00005; gnomAD 0.00006; TOPMed 0.00009; ESP Exome Variant Server 0.00015.
gnomAD v4.1: 49 of 1,611,570 alleles (0.003%); highest among the groups gnomAD compares: African/African-American, 0.027%; no homozygotes.

Submission:

Labcorp Genetics (formerly Invitae), Labcorp
Classification: Uncertain significance. Last evaluated: 2025-08-11. Review status: criteria provided, single submitter. Criteria: Invitae Variant Classification Sherloc (09022015). Collection method: clinical testing. Allele origin: germline.
Comment: This sequence change replaces arginine, which is basic and polar, with tryptophan, which is neutral and slightly polar, at codon 2276 of the FBN3 protein (p.Arg2276Trp). This variant is present in population databases (rs377054534, gnomAD 0.03%). This variant has not been reported in the literature in individuals affected with FBN3-related conditions. ClinVar contains an entry for this variant (Variation ID: 2143593). Invitae Evidence Modeling of protein sequence and biophysical properties (such as structural, functional, and spatial information, amino acid conservation, physicochemical variation, residue mobility, and thermodynamic stability) indicates that this missense variant is not expected to disrupt FBN3 protein function with a negative predictive value of 80%. In summary, the available evidence is currently insufficient to determine the role of this variant in disease. Therefore, it has been classified as a Variant of Uncertain Significance.